The following is an entry in ClinVar:

ClinVar aggregate classification (germline): Uncertain significance (1 of 4 stars; one submission).

gnomAD v4.1: 6 of 1,613,706 alleles (0.00037%); highest among the groups gnomAD compares: Non-Finnish European, 0.00051%; no homozygotes.

Submission:

Labcorp Genetics (formerly Invitae), Labcorp
Classification: Uncertain significance. Last evaluated: 2022-04-19. Review status: criteria provided, single submitter. Criteria: Invitae Variant Classification Sherloc (09022015). Collection method: clinical testing. Allele origin: germline.
Comment: This sequence change replaces arginine, which is basic and polar, with histidine, which is basic and polar, at codon 249 of the ROBO1 protein (p.Arg249His). This variant is not present in population databases (gnomAD no frequency). This variant has not been reported in the literature in individuals affected with ROBO1-related conditions. Advanced modeling of protein sequence and biophysical properties (such as structural, functional, and spatial information, amino acid conservation, physicochemical variation, residue mobility, and thermodynamic stability) performed at Invitae indicates that this missense variant is not expected to disrupt ROBO1 protein function. In summary, the available evidence is currently insufficient to determine the role of this variant in disease. Therefore, it has been classified as a Variant of Uncertain Significance.

NM_002941.4(ROBO1):c.746G>A (p.Arg249His)

Gene: ROBO1 (roundabout guidance receptor 1; minus strand). Cytogenetic location: 3p12.3.
Variant type: single nucleotide variant.
Coding change: c.746G>A on transcript NM_002941.4 (MANE Select); coding-DNA position 746, G replaced by A.
Protein change: p.Arg249His; replaces arginine 249 with histidine.
Molecular consequence: missense variant.
Genome position (GRCh38, 1-based): chr3:78,717,795, C>T on the plus strand (G>A on the coding strand, the complement: ROBO1 is on the minus strand). VCF-style: chr3-78717795-C-T. GRCh37 (hg19) VCF-style: chr3-78766945-C-T.
Other names: c.629G>A, p.Arg210His (NM_001145844.1, NM_001145845.2, NM_133631.4); short protein forms R249H, R210H.
Identifiers: ClinVar variation 2058169 (VCV002058169.4), dbSNP rs745910529, ClinGen allele CA353665051.